The following is an entry in ClinVar:

NM_080473.5(GATA5):c.601C>T (p.Arg201Cys)

Gene: GATA5 (GATA binding protein 5; minus strand). Cytogenetic location: 20q13.33.
Variant type: single nucleotide variant.
Coding change: c.601C>T on transcript NM_080473.5 (MANE Select); coding-DNA position 601, C replaced by T.
Protein change: p.Arg201Cys; replaces arginine 201 with cysteine.
Molecular consequence: missense variant.
Genome position (GRCh38, 1-based): chr20:62,473,501, G>A on the plus strand (C>T on the coding strand, the complement: GATA5 is on the minus strand). VCF-style: chr20-62473501-G-A. GRCh37 (hg19) VCF-style: chr20-61048557-G-A.
Other names: short protein forms R201C.
Identifiers: ClinVar variation 2731380 (VCV002731380.3), dbSNP rs782208424, ClinGen allele CA9946271.

ClinVar aggregate classification (germline): Uncertain significance (1 of 4 stars; one submission).

Allele frequency attached by ClinVar (database versions not stated): gnomAD exomes below 0.00001; ExAC 0.00001.
gnomAD v4.1: 3 of 1,609,540 alleles (0.00019%); highest among the groups gnomAD compares: South Asian, 0.0022%; no homozygotes.

Submission:

Labcorp Genetics (formerly Invitae), Labcorp
Classification: Uncertain significance. Last evaluated: 2024-06-18. Review status: criteria provided, single submitter. Criteria: Invitae Variant Classification Sherloc (09022015). Collection method: clinical testing. Allele origin: germline.
Comment: This sequence change replaces arginine, which is basic and polar, with cysteine, which is neutral and slightly polar, at codon 201 of the GATA5 protein (p.Arg201Cys). The frequency data for this variant in the population databases is considered unreliable, as metrics indicate poor data quality at this position in the gnomAD database. This variant has not been reported in the literature in individuals affected with GATA5-related conditions. Advanced modeling of protein sequence and biophysical properties (such as structural, functional, and spatial information, amino acid conservation, physicochemical variation, residue mobility, and thermodynamic stability) performed at Invitae indicates that this missense variant is expected to disrupt GATA5 protein function with a positive predictive value of 80%. In summary, the available evidence is currently insufficient to determine the role of this variant in disease. Therefore, it has been classified as a Variant of Uncertain Significance.